The following is an entry in ClinVar:

ClinVar aggregate classification (germline): Pathogenic (1 of 4 stars; one submission).

Conditions:
Ellis-van Creveld syndrome (EVC). Also called: MESOECTODERMAL DYSPLASIA; Chondroectodermal dysplasia. Identifiers: Orphanet 289, MedGen C0013903, MONDO:0009162, OMIM 225500.

Submission:

Myriad Genetics, Inc.
Classification: Pathogenic for Ellis-van Creveld syndrome. Last evaluated: 2024-03-14. Review status: criteria provided, single submitter. Criteria: Myriad Autosomal Dominant, Autosomal Recessive and X-Linked Classification Criteria (2023). Collection method: clinical testing. Allele origin: unknown.
Comment: NM_153717.2(EVC):c.1868_1878del11(L623Hfs*2) is expected to be pathogenic in the context of EVC-related Ellis-van Creveld syndrome. This variant is predicted to lead to an abnormal or absent protein product due to the creation of a premature termination codon in EVC, a gene where loss-of-function variants are known to be pathogenic. Please note: this variant was assessed in the context of healthy population screening.

NM_153717.3(EVC):c.1868_1878del (p.Leu623fs)

Gene: EVC (EvC ciliary complex subunit 1; plus strand). Cytogenetic location: 4p16.2.
Variant type: Deletion.
Coding change: c.1868_1878del on transcript NM_153717.3 (MANE Select); coding-DNA positions 1868 to 1878, 11 bases deleted (TGGGCGGCCTC).
Protein change: p.Leu623fs; shifts the reading frame from leucine 623.
Molecular consequence: frameshift variant.
Genome position (GRCh38, 1-based): chr4:5,793,699-5,793,709, TGGGCGGCCTC deleted; deleting any 11 consecutive bases within chr4:5,793,698-5,793,709 gives the same sequence; the c. name uses the placement nearest the transcript's 3' end. VCF-style (leftmost placement, unchanged base first): chr4-5793697-ACTGGGCGGCCT-A. GRCh37 (hg19) VCF-style: chr4-5795424-ACTGGGCGGCCT-A.
Other names: c.1868_1878del, p.Leu623fs (NM_001306090.2); short protein forms L623fs.
Identifiers: ClinVar variation 5012820 (VCV005012820.1).
Genomic context (GRCh38, chr4:5,793,697, plus strand): 5'-CGTGCTGCAGACACACCTGCGGGAGGACCACGAGGGCACCATCCGCGGCGTCTTGGGCCG[ACTGGGCGGCCT>A]CACTGAAGAGTGAGTACAGCTCCCTGAAGGCCCAGGGCTTTGTGTCCTGCATGATGCTCC-3'